The following is an entry in ClinVar:

ClinVar aggregate classification (germline): Uncertain significance. Review status: criteria provided, multiple submitters, no conflicts (2 of 4 stars). 2 submissions from 2 submitters: Uncertain significance (2). Last evaluated 2025-08-30.

Conditions:
Inborn genetic diseases. Identifiers: MedGen C0950123, MeSH D030342.

Allele frequency attached by ClinVar (database versions not stated): gnomAD exomes 0.00001.
gnomAD v4.1: 4 of 1,559,582 alleles (0.00026%); highest among the groups gnomAD compares: Non-Finnish European, 0.00034%; no homozygotes.

Submissions (2):

Ambry Genetics
Classification: Uncertain significance for Inborn genetic diseases. Last evaluated: 2025-08-30. Review status: criteria provided, single submitter. Criteria: Ambry Variant Classification Scheme 2023. Collection method: clinical testing. Allele origin: germline.

Labcorp Genetics (formerly Invitae), Labcorp
Classification: Uncertain significance. Last evaluated: 2022-06-22. Review status: criteria provided, single submitter. Criteria: Invitae Variant Classification Sherloc (09022015). Collection method: clinical testing. Allele origin: germline.
Comment: This sequence change replaces alanine, which is neutral and non-polar, with valine, which is neutral and non-polar, at codon 366 of the TYMP protein (p.Ala366Val). This variant is not present in population databases (gnomAD no frequency). This variant has not been reported in the literature in individuals affected with TYMP-related conditions. Advanced modeling of protein sequence and biophysical properties (such as structural, functional, and spatial information, amino acid conservation, physicochemical variation, residue mobility, and thermodynamic stability) performed at Invitae indicates that this missense variant is not expected to disrupt TYMP protein function. In summary, the available evidence is currently insufficient to determine the role of this variant in disease. Therefore, it has been classified as a Variant of Uncertain Significance.

NM_001953.5(TYMP):c.1097C>T (p.Ala366Val)

Genes: SCO2 (synthesis of cytochrome C oxidase 2; minus strand), TYMP (thymidine phosphorylase; minus strand), LOC130067862 (ATAC-STARR-seq lymphoblastoid silent region 13986; plus strand). Cytogenetic location: 22q13.33.
Variant type: single nucleotide variant.
Coding change: c.1097C>T on transcript NM_001953.5 (MANE Select); coding-DNA position 1097, C replaced by T.
Protein change: p.Ala366Val; replaces alanine 366 with valine.
Molecular consequence: missense variant. On other transcripts: 5 prime UTR variant (1).
Genome position (GRCh38, 1-based): chr22:50,526,308, G>A on the plus strand (C>T on the coding strand, the complement: TYMP is on the minus strand). VCF-style: chr22-50526308-G-A. GRCh37 (hg19) VCF-style: chr22-50964737-G-A.
Other names: c.1097C>T, p.Ala366Val (NM_001113755.3, NM_001113756.3, NM_001257988.1 and 1 more transcripts); c.-76C>T (NM_001169109.2); short protein forms A366V.
Identifiers: ClinVar variation 2167188 (VCV002167188.2), dbSNP rs1165404070, ClinGen allele CA412197538.